The following is an entry in ClinVar:

ClinVar aggregate classification (germline): Uncertain significance. Review status: criteria provided, multiple submitters, no conflicts (2 of 4 stars). 2 submissions from 2 submitters: Uncertain significance (2). Last evaluated 2025-08-11.

Conditions:
Charcot-Marie-Tooth disease type 2. Also called: Charcot-Marie-Tooth type 2. Identifiers: Orphanet 64746, MedGen C0270914, MONDO:0018993.

Submissions (2):

Labcorp Genetics (formerly Invitae), Labcorp
Classification: Uncertain significance for Charcot-Marie-Tooth disease type 2. Last evaluated: 2025-08-11. Review status: criteria provided, single submitter. Criteria: Invitae Variant Classification Sherloc (09022015). Collection method: clinical testing. Allele origin: germline.
Comment: This sequence change replaces alanine, which is neutral and non-polar, with threonine, which is neutral and polar, at codon 427 of the KIF1B protein (p.Ala427Thr). This variant is not present in population databases (gnomAD no frequency). This variant has not been reported in the literature in individuals affected with KIF1B-related conditions. ClinVar contains an entry for this variant (Variation ID: 1767371). Invitae Evidence Modeling of protein sequence and biophysical properties (such as structural, functional, and spatial information, amino acid conservation, physicochemical variation, residue mobility, and thermodynamic stability) indicates that this missense variant is not expected to disrupt KIF1B protein function with a negative predictive value of 80%. In summary, the available evidence is currently insufficient to determine the role of this variant in disease. Therefore, it has been classified as a Variant of Uncertain Significance.

Ambry Genetics
Classification: Uncertain significance. Last evaluated: 2024-08-21. Review status: criteria provided, single submitter. Criteria: Ambry Variant Classification Scheme 2023. Collection method: clinical testing. Allele origin: germline.
Comment: The p.A427T variant (also known as c.1279G>A), located in coding exon 12 of the KIF1B gene, results from a G to A substitution at nucleotide position 1279. The alanine at codon 427 is replaced by threonine, an amino acid with similar properties. This amino acid position is highly conserved in available vertebrate species. In addition, the in silico prediction for this alteration is inconclusive. Since supporting evidence is limited at this time, the clinical significance of this alteration remains unclear.

NM_001365951.3(KIF1B):c.1417G>A (p.Ala473Thr)

Gene: KIF1B (kinesin family member 1B; plus strand). Cytogenetic location: 1p36.22.
Variant type: single nucleotide variant.
Coding change: c.1417G>A on transcript NM_001365951.3 (MANE Select); coding-DNA position 1417, G replaced by A.
Protein change: p.Ala473Thr; replaces alanine 473 with threonine.
Molecular consequence: missense variant.
Genome position (GRCh38, 1-based): chr1:10,282,516, G>A. VCF-style: chr1-10282516-G-A. GRCh37 (hg19) VCF-style: chr1-10342574-G-A.
Other names: c.1417G>A, p.Ala473Thr (NM_001365952.1); c.1279G>A, p.Ala427Thr (NM_001365953.1, NM_015074.3, NM_183416.4); short protein forms A427T, A473T.
Identifiers: ClinVar variation 1767371 (VCV001767371.6), dbSNP rs2521257675, ClinGen allele CA338336688.